The following is an entry in ClinVar:

ClinVar aggregate classification (germline): Pathogenic (1 of 4 stars; one submission).

Conditions:
Anophthalmia/microphthalmia-esophageal atresia syndrome (MCOPS3). Also called: MICROPHTHALMIA AND ESOPHAGEAL ATRESIA SYNDROME; AEG SYNDROME; SOX2 Disorder. Identifiers: Orphanet 77298, MedGen C1859773, MONDO:0008799, OMIM 206900.

Submission:

Labcorp Genetics (formerly Invitae), Labcorp
Classification: Pathogenic for Anophthalmia/microphthalmia-esophageal atresia syndrome. Last evaluated: 2019-12-19. Review status: criteria provided, single submitter. Criteria: Invitae Variant Classification Sherloc (09022015). Collection method: clinical testing. Allele origin: germline.
Comment: The frequency data for this variant in the population databases is considered unreliable, as metrics indicate insufficient coverage at this position in the ExAC database. This sequence change results in a premature translational stop signal in the SOX2 gene (p.Tyr2Valfs*94). While this is not anticipated to result in nonsense mediated decay, it is expected to disrupt the last 316 amino acids of the SOX2 protein. This variant has not been reported in the literature in individuals with SOX2-related conditions. For these reasons, this variant has been classified as Pathogenic. This variant disrupts the C-terminus of the SOX2 protein. Other variant(s) that disrupt this region (p.Asn24Argfs*65) have been determined to be pathogenic (PMID: 18285410, 24804704). This suggests that variants that disrupt this region of the protein are likely to be causative of disease.

Literature cited by the submitters: PubMed 18285410; PubMed 24804704.

NM_003106.4(SOX2):c.3dup (p.Tyr2fs)

Genes: SOX2 (SRY-box transcription factor 2; plus strand), SOX2-OT (SOX2 overlapping transcript; plus strand), LOC108281177 (SOX2 5' regulatory region; plus strand). Cytogenetic location: 3q26.33.
Variant type: Duplication.
Coding change: c.3dup on transcript NM_003106.4 (MANE Select); coding-DNA position 3, one base duplicated (G; older notation c.3dupG).
Protein change: p.Tyr2fs; shifts the reading frame from tyrosine 2.
Molecular consequence: frameshift variant, initiator codon variant.
Genome position (GRCh38, 1-based): chr3:181,712,363, G duplicated. VCF-style (leftmost placement, unchanged base first): chr3-181712362-T-TG. GRCh37 (hg19) VCF-style: chr3-181430150-T-TG.
Other names: short protein forms Y2fs.
Identifiers: ClinVar variation 859786 (VCV000859786.11), dbSNP rs1714833474, ClinGen allele CA916082297.
Genomic context (GRCh38, chr3:181,712,362, plus strand): 5'-TCCCGGCCGGGCCGAGGGTCGGCGGCCGCCGGCGGGCCGGGCCCGCGCACAGCGCCCGCA[T>TG]GTACAACATGATGGAGACGGAGCTGAAGCCGCCGGGCCCGCAGCAAACTTCGGGGGGCGG-3'